The following is an entry in ClinVar:

NM_001366385.1(CARD14):c.295G>A (p.Val99Ile)

Gene: CARD14 (caspase recruitment domain family member 14; plus strand). Cytogenetic location: 17q25.3.
Variant type: single nucleotide variant.
Coding change: c.295G>A on transcript NM_001366385.1 (MANE Select); coding-DNA position 295, G replaced by A.
Protein change: p.Val99Ile; replaces valine 99 with isoleucine.
Molecular consequence: missense variant. On other transcripts: non-coding transcript variant (1).
Genome position (GRCh38, 1-based): chr17:80,182,736, G>A. VCF-style: chr17-80182736-G-A. GRCh37 (hg19) VCF-style: chr17-78156535-G-A.
Other names: c.295G>A, p.Val99Ile (NM_001257970.1, NM_024110.4); short protein forms V99I.
Identifiers: ClinVar variation 3995391 (VCV003995391.2).

ClinVar aggregate classification (germline): Conflicting classifications of pathogenicity. Review status: criteria provided, conflicting classifications (1 of 4 stars). 2 submissions from 2 submitters: Uncertain significance (1); Likely benign (1). Last evaluated 2025-05-22.

Conditions:
Pityriasis rubra pilaris (PRP). Also called: Pityriasis rubra pilaris--familial type. Identifiers: Orphanet 2897, MedGen C0032027, MONDO:0100017, OMIM 173200, MONDO:0008251.
Psoriasis 2. Identifiers: MedGen C1864497, MONDO:0011269, OMIM 602723.
Inborn genetic diseases. Identifiers: MedGen C0950123, MeSH D030342.

gnomAD v4.1: 13 of 1,613,874 alleles (0.00081%); highest among the groups gnomAD compares: Admixed American, 0.0033%; no homozygotes.

Submissions (2):

Labcorp Genetics (formerly Invitae), Labcorp
Classification: Uncertain significance for Pityriasis rubra pilaris; Psoriasis 2. Last evaluated: 2025-05-22. Review status: criteria provided, single submitter. Criteria: Invitae Variant Classification Sherloc (09022015). Collection method: clinical testing. Allele origin: germline.
Comment: This sequence change replaces valine, which is neutral and non-polar, with isoleucine, which is neutral and non-polar, at codon 99 of the CARD14 protein (p.Val99Ile). This variant is present in population databases (rs778679607, gnomAD 0.006%). This variant has not been reported in the literature in individuals affected with CARD14-related conditions. Invitae Evidence Modeling of protein sequence and biophysical properties (such as structural, functional, and spatial information, amino acid conservation, physicochemical variation, residue mobility, and thermodynamic stability) indicates that this missense variant is not expected to disrupt CARD14 protein function with a negative predictive value of 95%. In summary, the available evidence is currently insufficient to determine the role of this variant in disease. Therefore, it has been classified as a Variant of Uncertain Significance.

Ambry Genetics
Classification: Likely benign for Inborn genetic diseases. Last evaluated: 2025-03-19. Review status: criteria provided, single submitter. Criteria: Ambry Variant Classification Scheme 2023. Collection method: clinical testing. Allele origin: germline.